The following is an entry in ClinVar:

ClinVar aggregate classification (germline): Uncertain significance. Review status: criteria provided, multiple submitters, no conflicts (2 of 4 stars). 2 submissions from 2 submitters: Uncertain significance (2). Last evaluated 2025-03-24.

Conditions:
Inborn genetic diseases. Identifiers: MedGen C0950123, MeSH D030342.
Combined immunodeficiency due to ZAP70 deficiency (IMD48). Also called: Immunodeficiency 48; ZAP70 Deficiency. Identifiers: Orphanet 911, MedGen C2931299, MONDO:0010023, OMIM 269840.

Allele frequency attached by ClinVar (database versions not stated): gnomAD 0.00001; TOPMed 0.00001.
gnomAD v4.1: 1 of 1,613,336 alleles (0.000062%); highest among the groups gnomAD compares: Admixed American, 0.0017%; no homozygotes.

Submissions (2):

Ambry Genetics
Classification: Uncertain significance for Inborn genetic diseases. Last evaluated: 2025-03-24. Review status: criteria provided, single submitter. Criteria: Ambry Variant Classification Scheme 2023. Collection method: clinical testing. Allele origin: germline.

Labcorp Genetics (formerly Invitae), Labcorp
Classification: Uncertain significance for Combined immunodeficiency due to ZAP70 deficiency. Last evaluated: 2023-11-20. Review status: criteria provided, single submitter. Criteria: Invitae Variant Classification Sherloc (09022015). Collection method: clinical testing. Allele origin: germline.
Comment: This sequence change replaces alanine, which is neutral and non-polar, with valine, which is neutral and non-polar, at codon 297 of the ZAP70 protein (p.Ala297Val). This variant is not present in population databases (gnomAD no frequency). This variant has not been reported in the literature in individuals affected with ZAP70-related conditions. Algorithms developed to predict the effect of missense changes on protein structure and function output the following: SIFT: "Not Available"; PolyPhen-2: "Benign"; Align-GVGD: "Not Available". The valine amino acid residue is found in multiple mammalian species, which suggests that this missense change does not adversely affect protein function. In summary, the available evidence is currently insufficient to determine the role of this variant in disease. Therefore, it has been classified as a Variant of Uncertain Significance.

NM_001079.4(ZAP70):c.890C>T (p.Ala297Val)

Gene: ZAP70 (zeta chain of T cell receptor associated protein kinase 70; plus strand). Cytogenetic location: 2q11.2.
Variant type: single nucleotide variant.
Coding change: c.890C>T on transcript NM_001079.4 (MANE Select); coding-DNA position 890, C replaced by T.
Protein change: p.Ala297Val; replaces alanine 297 with valine.
Molecular consequence: missense variant. On other transcripts: 5 prime UTR variant (1).
Genome position (GRCh38, 1-based): chr2:97,734,520, C>T. VCF-style: chr2-97734520-C-T. GRCh37 (hg19) VCF-style: chr2-98350983-C-T.
Other names: c.890C>T, p.Ala297Val (NM_001378594.1); c.-32C>T (NM_207519.2); short protein forms A297V.
Identifiers: ClinVar variation 3022062 (VCV003022062.4), dbSNP rs1677759313, ClinGen allele CA347800249.